The following is an entry in ClinVar:

NM_000512.5(GALNS):c.376G>T (p.Glu126Ter)

Gene: GALNS (galactosamine (N-acetyl)-6-sulfatase; minus strand). Cytogenetic location: 16q24.3.
Variant type: single nucleotide variant.
Coding change: c.376G>T on transcript NM_000512.5 (MANE Select); coding-DNA position 376, G replaced by T.
Protein change: p.Glu126Ter; replaces glutamic acid 126 with a stop codon.
Molecular consequence: nonsense. On other transcripts: 5 prime UTR variant (1).
Genome position (GRCh38, 1-based): chr16:88,841,038, C>A on the plus strand (G>T on the coding strand, the complement: GALNS is on the minus strand). VCF-style: chr16-88841038-C-A. GRCh37 (hg19) VCF-style: chr16-88907446-C-A.
Other names: c.-180G>T (NM_001323543.2); c.394G>T, p.Glu132Ter (NM_001323544.2); short protein forms E126*, E132*.
Identifiers: ClinVar variation 1048275 (VCV001048275.3), dbSNP rs1177468816, ClinGen allele CA397087966.
Genomic context (GRCh38, chr16:88,841,038, plus strand): 5'-GCCAGGAGACTTACCACTTGCCGACAATCTTGCTGACGTAGCCGGCCTTCTTCAGAAGCT[C>A]CGGCAGGAGCTGCTCCGAGTCTGGGATGCCGCCCACAATCTCCTGCGGTGTGTAGGCTGG-3'

ClinVar aggregate classification (germline): Pathogenic (1 of 4 stars; one submission).

Conditions:
Mucopolysaccharidosis, MPS-IV-A (MPS4A). Also called: Mucopolysaccharidosis type IV A; Mucopolysaccharidosis Type IVA; Morquio syndrome A, mild; MORQUIO SYNDROME A; MPS IVA; mucopolysaccharidosis type 4A. Identifiers: Orphanet 309297, Orphanet 582, MedGen C0086651, MONDO:0009659, OMIM 253000.

Allele frequency attached by ClinVar (database versions not stated): gnomAD exomes 0.00001.
gnomAD v4.1: 13 of 1,613,248 alleles (0.00081%); highest among the groups gnomAD compares: Non-Finnish European, 0.0011%; no homozygotes.

Submission:

Laboratory of Diagnosis and Therapy of Lysosomal Disorders, University of Padova
Classification: Pathogenic for Mucopolysaccharidosis, MPS-IV-A. Last evaluated: 2021-02-01. Review status: criteria provided, single submitter. Criteria: ACMG Guidelines, 2015. Collection method: curation. Allele origin: germline. Affected: yes.
Comment: Nonsense variant (PVS1_very strong); the prevalence of the variant in affected individuals is significantly increased compared with the prevalence in controls (PS4_supporting); very low frequency in gnomAD v2.1.1 (PM2_moderate)

Literature cited by the submitters: PubMed 24726177; PubMed 34387910.